The following is an entry in ClinVar:

NM_017739.4(POMGNT1):c.62G>A (p.Trp21Ter)

Gene: POMGNT1 (protein O-linked mannose N-acetylglucosaminyltransferase 1 (beta 1,2-); minus strand). Cytogenetic location: 1p34.1.
Variant type: single nucleotide variant.
Coding change: c.62G>A on transcript NM_017739.4 (MANE Select); coding-DNA position 62, G replaced by A.
Protein change: p.Trp21Ter; replaces tryptophan 21 with a stop codon.
Molecular consequence: nonsense. On other transcripts: 5 prime UTR variant (3).
Genome position (GRCh38, 1-based): chr1:46,197,760, C>T on the plus strand (G>A on the coding strand, the complement: POMGNT1 is on the minus strand). VCF-style: chr1-46197760-C-T. GRCh37 (hg19) VCF-style: chr1-46663432-C-T.
Other names: c.62G>A, p.Trp21Ter (NM_001243766.2, NM_001410783.1, NM_001437653.1 and 3 more transcripts); c.-247G>A (NM_001290129.3, NM_001438691.1, NM_001438692.1); short protein forms W21*.
Identifiers: ClinVar variation 4815904 (VCV004815904.1).
Genomic context (GRCh38, chr1:46,197,760, plus strand): 5'-ACCTGACAGAATCTCCGCAGGGCCCGCTGGTTTGTCAGTTTATACTTCCAGGTAAGGTAC[C>T]AGCTCCGCTTCTTCCGAGCCCCAAAGGGCTTGATGAGGGGGCTGGGCTTCCAGTCGTCCA-3'

ClinVar aggregate classification (germline): Likely pathogenic (1 of 4 stars; one submission).

Conditions:
Muscle eye brain disease (MEB). Also called: Santavuori congenital muscular dystrophy. Identifiers: Orphanet 588, Orphanet 899, MedGen C0457133, MONDO:0018939.

Submission:

Natera, Inc.
Classification: Likely pathogenic for Muscle-eye-brain disease. Last evaluated: 2025-11-21. Review status: criteria provided, single submitter. Criteria: Natera Variant Classification Schema (03/2026). Collection method: clinical testing. Allele origin: germline.
Comment: The c.62G>A variant in POMGNT1 is a nonsense variant predicted to introduce a stop codon at amino acid 21. This variant is expected to result in nonsense mediated decay, truncation, or a dysfunctional protein product. This variant is rare in the general population with a frequency below the threshold expected for the associated phenotype(s). Given the available evidence, this variant is classified as Likely Pathogenic.